The following is an entry in ClinVar:

ClinVar aggregate classification (germline): Uncertain significance (1 of 4 stars; one submission).

Allele frequency attached by ClinVar (database versions not stated): gnomAD 0.00003; TOPMed 0.00004; gnomAD exomes 0.00003; ExAC 0.00009.
gnomAD v4.1: 46 of 1,614,036 alleles (0.0028%); highest among the groups gnomAD compares: East Asian, 0.042%; no homozygotes.

Submission:

Ambry Genetics
Classification: Uncertain significance. Last evaluated: 2025-12-11. Review status: criteria provided, single submitter. Criteria: Ambry Variant Classification Scheme 2023. Collection method: clinical testing. Allele origin: germline.
Comment: The p.R294W variant (also known as c.880C>T), located in coding exon 6 of the PKP4 gene, results from a C to T substitution at nucleotide position 880. The arginine at codon 294 is replaced by tryptophan, an amino acid with dissimilar properties. This amino acid position is conserved. In addition, this alteration is predicted to be deleterious by in silico analysis. Since supporting evidence is limited at this time, the clinical significance of this alteration remains unclear.

NM_003628.6(PKP4):c.880C>T (p.Arg294Trp)

Gene: PKP4 (plakophilin 4; plus strand). Cytogenetic location: 2q24.1.
Variant type: single nucleotide variant.
Coding change: c.880C>T on transcript NM_003628.6 (MANE Select); coding-DNA position 880, C replaced by T.
Protein change: p.Arg294Trp; replaces arginine 294 with tryptophan.
Molecular consequence: missense variant. On other transcripts: 5 prime UTR variant (1).
Genome position (GRCh38, 1-based): chr2:158,625,154, C>T. VCF-style: chr2-158625154-C-T. GRCh37 (hg19) VCF-style: chr2-159481666-C-T.
Other names: c.880C>T, p.Arg294Trp (NM_001377219.1, NM_001377220.1, NM_001377221.1 and 6 more transcripts); c.874C>T, p.Arg292Trp (NM_001377222.1, NM_001377223.1, NM_001377224.1); c.-147C>T (NM_001304970.3); short protein forms R294W, R292W.
Identifiers: ClinVar variation 2243226 (VCV002243226.3), dbSNP rs771451922, ClinGen allele CA1920550.